The following is an entry in ClinVar:

ClinVar aggregate classification (germline): Uncertain significance (1 of 4 stars; one submission).

Submission:

Labcorp Genetics (formerly Invitae), Labcorp
Classification: Uncertain significance. Last evaluated: 2024-09-14. Review status: criteria provided, single submitter. Criteria: Invitae Variant Classification Sherloc (09022015). Collection method: clinical testing. Allele origin: germline.
Comment: This sequence change replaces glutamine, which is neutral and polar, with arginine, which is basic and polar, at codon 1003 of the BRD4 protein (p.Gln1003Arg). This variant is not present in population databases (gnomAD no frequency). This variant has not been reported in the literature in individuals affected with BRD4-related conditions. Invitae Evidence Modeling of protein sequence and biophysical properties (such as structural, functional, and spatial information, amino acid conservation, physicochemical variation, residue mobility, and thermodynamic stability) indicates that this missense variant is not expected to disrupt BRD4 protein function with a negative predictive value of 80%. In summary, the available evidence is currently insufficient to determine the role of this variant in disease. Therefore, it has been classified as a Variant of Uncertain Significance.

NM_001379291.1(BRD4):c.3008A>G (p.Gln1003Arg)

Gene: BRD4 (bromodomain containing 4; minus strand). Cytogenetic location: 19p13.12.
Variant type: single nucleotide variant.
Coding change: c.3008A>G on transcript NM_001379291.1 (MANE Select); coding-DNA position 3008, A replaced by G.
Protein change: p.Gln1003Arg; replaces glutamine 1003 with arginine.
Molecular consequence: missense variant.
Genome position (GRCh38, 1-based): chr19:15,243,061, T>C on the plus strand (A>G on the coding strand, the complement: BRD4 is on the minus strand). VCF-style: chr19-15243061-T-C. GRCh37 (hg19) VCF-style: chr19-15353872-T-C.
Other names: c.3008A>G, p.Gln1003Arg (NM_058243.3); short protein forms Q1003R.
Identifiers: ClinVar variation 3626333 (VCV003626333.2).
Genomic context (GRCh38, chr19:15,243,061, plus strand): 5'-GGCGGATGGGGGGGCTGCTGGCCCTGGGGTGGCGGGGGCTGTTGGATGTGGGTGGAAAAC[T>C]GCATGGGCTGCAAGTGCACGGGCCGTGGAGGGGGCTGATGCTGCTGCTGGGGTGGAGGCT-3'
Protein context (NP_001366220.1, residues 993-1013): PPRPVHLQPM[Gln1003Arg]FSTHIQQPPP